The following is an entry in ClinVar:

NM_001018115.3(FANCD2):c.2307G>T (p.Glu769Asp)

Genes: FANCD2 (FA complementation group D2; plus strand), LOC107303338 (3p25 FANCD2 Alu-mediated recombination region; plus strand). Cytogenetic location: 3p25.3.
Variant type: single nucleotide variant.
Coding change: c.2307G>T on transcript NM_001018115.3 (MANE Select); coding-DNA position 2307, G replaced by T.
Protein change: p.Glu769Asp; replaces glutamic acid 769 with aspartic acid.
Molecular consequence: missense variant.
Genome position (GRCh38, 1-based): chr3:10,065,901, G>T. VCF-style: chr3-10065901-G-T. GRCh37 (hg19) VCF-style: chr3-10107585-G-T.
Other names: c.2307G>T, p.Glu769Asp (NM_001319984.2, NM_001374254.1, NM_033084.6); c.2196G>T, p.Glu732Asp (NM_001374253.1); short protein forms E732D, E769D.
Identifiers: ClinVar variation 4882204 (VCV004882204.2).

ClinVar aggregate classification (germline): Uncertain significance (1 of 4 stars; one submission).

Submission:

Dasa
Classification: Uncertain significance. Last evaluated: 2025-08-22. Review status: criteria provided, single submitter. Criteria: DASA Assertion Criteria. Collection method: clinical testing. Allele origin: germline.
Comment: NM_001018115.3(FANCD2):c.2307G>T (p.Glu769Asp) is a missense variant that results in the substitution of glutamic acid with aspartic acid. This variant is rare in population databases. Computational prediction algorithms are consistent with a benign effect. The currently available literature and clinical evidence are not sufficient to establish a definitive association between this variant and the reported condition. Therefore, this variant is classified as a variant of uncertain significance.